The following is an entry in ClinVar:

ClinVar aggregate classification (germline): Uncertain significance (1 of 4 stars; one submission).

Conditions:
Arrhythmogenic cardiomyopathy with wooly hair and keratoderma. Also called: PALMOPLANTAR KERATODERMA WITH LEFT VENTRICULAR CARDIOMYOPATHY AND WOOLLY HAIR; Carvajal syndrome; Dilated cardiomyopathy with woolly hair and keratoderma; Arrhythmogenic cardiomyopathy with woolly hair and keratoderma. Identifiers: Orphanet 65282, MedGen C1854063, MONDO:0011581, OMIM 605676.

Allele frequency attached by ClinVar (database versions not stated): ExAC 0.00001.
gnomAD v4.1: 1 of 1,614,152 alleles (0.000062%); highest among the groups gnomAD compares: Non-Finnish European, 0.000085%; no homozygotes.

Submission:

All of Us Research Program, National Institutes of Health
Classification: Uncertain significance for Arrhythmogenic cardiomyopathy with wooly hair and keratoderma. Last evaluated: 2023-08-08. Review status: criteria provided, single submitter. Criteria: ACMG Guidelines, 2015. Collection method: clinical testing. Allele origin: germline. Inheritance: Autosomal dominant inheritance. Observed: 1 variant allele, 1 heterozygote.
Comment: This missense variant replaces glutamic acid with lysine at codon 1229 of the DSP protein. Computational prediction suggests that this variant may not impact protein structure and function (internally defined REVEL score threshold <= 0.5, PMID: 27666373). To our knowledge, functional studies have not been reported for this variant. This variant has not been reported in individuals affected with DSP-related disorders in the literature. This variant has been identified in 1/250906 chromosomes in the general population by the Genome Aggregation Database (gnomAD). The available evidence is insufficient to determine the role of this variant in disease conclusively. Therefore, this variant is classified as a Variant of Uncertain Significance.

This study involves interpretation of variants in research participants for the purpose of population health screening. Participant phenotype was not available at the time of variant classification. Additional details can be found in publication PMID: 35346344, PMCID: PMC8962531

NM_004415.4(DSP):c.3685G>A (p.Glu1229Lys)

Gene: DSP (desmoplakin; plus strand). Cytogenetic location: 6p24.3.
Variant type: single nucleotide variant.
Coding change: c.3685G>A on transcript NM_004415.4 (MANE Select); coding-DNA position 3685, G replaced by A.
Protein change: p.Glu1229Lys; replaces glutamic acid 1229 with lysine.
Molecular consequence: missense variant. On other transcripts: intron variant (1).
Genome position (GRCh38, 1-based): chr6:7,579,875, G>A. VCF-style: chr6-7579875-G-A. GRCh37 (hg19) VCF-style: chr6-7580108-G-A.
Other names: c.3685G>A, p.Glu1229Lys (NM_001319034.2); c.3582+103G>A (NM_001008844.3); short protein forms E1229K.
Identifiers: ClinVar variation 3072587 (VCV003072587.1), dbSNP rs773447502, ClinGen allele CA038718.